The following is an entry in ClinVar:

ClinVar aggregate classification (germline): Uncertain significance. Review status: criteria provided, multiple submitters, no conflicts (2 of 4 stars). 2 submissions from 2 submitters: Uncertain significance (2). Last evaluated 2022-06-24.

Conditions:
Inborn genetic diseases. Identifiers: MedGen C0950123, MeSH D030342.

gnomAD v4.1: 2 of 1,613,788 alleles (0.00012%); no homozygotes.

Submissions (2):

Ambry Genetics
Classification: Uncertain significance for Inborn genetic diseases. Last evaluated: 2022-06-24. Review status: criteria provided, single submitter. Criteria: Ambry Variant Classification Scheme 2023. Collection method: clinical testing. Allele origin: germline.

Labcorp Genetics (formerly Invitae), Labcorp
Classification: Uncertain significance. Last evaluated: 2022-01-12. Review status: criteria provided, single submitter. Criteria: Invitae Variant Classification Sherloc (09022015). Collection method: clinical testing. Allele origin: germline.
Comment: This variant is not present in population databases (gnomAD no frequency). This sequence change replaces threonine, which is neutral and polar, with alanine, which is neutral and non-polar, at codon 127 of the KATNB1 protein (p.Thr127Ala). This variant has not been reported in the literature in individuals affected with KATNB1-related conditions. In summary, the available evidence is currently insufficient to determine the role of this variant in disease. Therefore, it has been classified as a Variant of Uncertain Significance. Advanced modeling of protein sequence and biophysical properties (such as structural, functional, and spatial information, amino acid conservation, physicochemical variation, residue mobility, and thermodynamic stability) performed at Invitae indicates that this missense variant is not expected to disrupt KATNB1 protein function.

NM_005886.3(KATNB1):c.379A>G (p.Thr127Ala)

Gene: KATNB1 (katanin regulatory subunit B1; plus strand). Cytogenetic location: 16q21.
Variant type: single nucleotide variant.
Coding change: c.379A>G on transcript NM_005886.3 (MANE Select); coding-DNA position 379, A replaced by G.
Protein change: p.Thr127Ala; replaces threonine 127 with alanine.
Molecular consequence: missense variant.
Genome position (GRCh38, 1-based): chr16:57,750,916, A>G. VCF-style: chr16-57750916-A-G. GRCh37 (hg19) VCF-style: chr16-57784828-A-G.
Other names: c.379A>G (NM_005886.2); short protein forms T127A.
Identifiers: ClinVar variation 1495914 (VCV001495914.7), dbSNP rs2148794034, ClinGen allele CA396066670.